The following is an entry in ClinVar:

NM_001018115.3(FANCD2):c.1254_1264delinsTTACTTAGTACAAGAACTG (p.Gln418fs)

Genes: FANCD2 (FA complementation group D2; plus strand), LOC107303338 (3p25 FANCD2 Alu-mediated recombination region; plus strand). Cytogenetic location: 3p25.3.
Variant type: Indel.
Coding change: c.1254_1264delinsTTACTTAGTACAAGAACTG on transcript NM_001018115.3 (MANE Select); coding-DNA positions 1254 to 1264, GAGTACATTCT replaced by TTACTTAGTACAAGAACTG.
Protein change: p.Gln418fs; shifts the reading frame from glutamine 418.
Molecular consequence: frameshift variant.
Genome position (GRCh38, 1-based): chr3:10,046,699-10,046,709, GAGTACATTCT replaced by TTACTTAGTACAAGAACTG. VCF-style: chr3-10046699-GAGTACATTCT-TTACTTAGTACAAGAACTG. GRCh37 (hg19) VCF-style: chr3-10088383-GAGTACATTCT-TTACTTAGTACAAGAACTG.
Other names: c.1254_1264delinsTTACTTAGTACAAGAACTG, p.Gln418fs (NM_001319984.2, NM_001374253.1, NM_001374254.1 and 1 more transcripts); short protein forms Q418fs.
Identifiers: ClinVar variation 3764582 (VCV003764582.1).
Genomic context (GRCh38, chr3:10,046,699, plus strand): 5'-CATTGACAGGGTGCTAAGAAATAAGATTCGATCAGGCTGCATTCAAGAACAGCTGCTCCA[GAGTACATTCT>TTACTTAGTACAAGAACTG]CTGTTCATTACTTAGTAAGTGTCAGAGACTATTGATTTTTAATCTAAAACAGAAAGCTTT-3'

ClinVar aggregate classification (germline): Pathogenic (1 of 4 stars; one submission).

Conditions:
Fanconi anemia complementation group D2. Also called: FANCD2-Related Fanconi Anemia; FANCONI PANCYTOPENIA, TYPE 4; FANCONI ANEMIA, COMPLEMENTATION GROUP D. Identifiers: Orphanet 84, MedGen C3160738, MONDO:0009214, OMIM 227646.

Submission:

Daryl Scott Lab, Baylor College of Medicine
Classification: Pathogenic for Fanconi anemia complementation group D2. Last evaluated: 2024-01-01. Review status: criteria provided, single submitter. Criteria: ACMG Guidelines, 2015. Collection method: clinical testing. Allele origin: maternal. Observed: 1 heterozygote.
Comment: PVS1, PM2